The following is an entry in ClinVar:

ClinVar aggregate classification (germline): Uncertain significance (1 of 4 stars; one submission).

Conditions:
Cardiovascular phenotype. Identifiers: MedGen CN230736.

gnomAD v4.1: 2 of 1,613,472 alleles (0.00012%); highest among the groups gnomAD compares: South Asian, 0.0011%; no homozygotes.

Submission:

Ambry Genetics
Classification: Uncertain significance for Cardiovascular phenotype. Last evaluated: 2024-12-08. Review status: criteria provided, single submitter. Criteria: Ambry Variant Classification Scheme 2023. Collection method: clinical testing. Allele origin: germline.
Comment: The p.E3054K variant (also known as c.9160G>A), located in coding exon 26 of the TNXB gene, results from a G to A substitution at nucleotide position 9160. The glutamic acid at codon 3054 is replaced by lysine, an amino acid with similar properties. This amino acid position is conserved. In addition, this alteration is predicted to be tolerated by in silico analysis. Based on the available evidence, the clinical significance of this variant remains unclear.

NM_001365276.2(TNXB):c.9166G>A (p.Glu3056Lys)

Gene: TNXB (tenascin XB; minus strand). Cytogenetic location: 6p21.33.
Variant type: single nucleotide variant.
Coding change: c.9166G>A on transcript NM_001365276.2 (MANE Select); coding-DNA position 9166, G replaced by A.
Protein change: p.Glu3056Lys; replaces glutamic acid 3056 with lysine.
Molecular consequence: missense variant.
Genome position (GRCh38, 1-based): chr6:32,050,271, C>T on the plus strand (G>A on the coding strand, the complement: TNXB is on the minus strand). VCF-style: chr6-32050271-C-T. GRCh37 (hg19) VCF-style: chr6-32018048-C-T.
Other names: c.9907G>A, p.Glu3303Lys (NM_001428335.1); c.9160G>A, p.Glu3054Lys (NM_019105.8); short protein forms E3056K, E3303K, E3054K.
Identifiers: ClinVar variation 3459922 (VCV003459922.1).